The following is an entry in ClinVar:

ClinVar aggregate classification (germline): Pathogenic. Review status: criteria provided, multiple submitters, no conflicts (2 of 4 stars). 10 submissions from 10 submitters: Pathogenic (10). Last evaluated 2025-12-01.

Conditions:
Cardiomyopathy (CMYO). Also called: Cardiomyopathies. Identifiers: Orphanet 167848, MedGen C0878544, MONDO:0004994, HP:0001638. Inheritance: Various modes of inheritance.
Cardiovascular phenotype. Identifiers: MedGen CN230736.
Hypertrophic cardiomyopathy. Also called: HYPERTROPHIC MYOCARDIOPATHY. Identifiers: Orphanet 217569, MedGen C0007194, MeSH D002312, MONDO:0005045, HP:0001639.
MYBPC3-related disorder. Also called: MYBPC3-related condition; MYBPC3-related disease; MYBPC3-related disorders.
Hypertrophic cardiomyopathy 4. Also called: Familial hypertrophic cardiomyopathy 4. Identifiers: MedGen C1861862, MONDO:0007268, OMIM 115197.

Submissions (10):

Ambry Genetics
Classification: Pathogenic for Cardiovascular phenotype. Last evaluated: 2025-12-01. Review status: criteria provided, single submitter. Criteria: Ambry Variant Classification Scheme 2023. Collection method: clinical testing. Allele origin: germline.
Comment: The p.Y79* pathogenic mutation (also known as c.237C>G), located in coding exon 2 of the MYBPC3 gene, results from a C to G substitution at nucleotide position 237. This changes the amino acid from a tyrosine to a stop codon within coding exon 2. This variant was reported in individual(s) with features consistent with hypertrophic cardiomyopathy (HCM) (Garc&iacute;a-Pav&iacute;a P et al. Rev Esp Cardiol, 2007 Mar;60:311-4; Millat G et al. Eur J Med Genet, 2010 Jul;53:261-7; Berge KE et al. Clin Genet, 2014 Oct;86:355-60; Ko C et al. Genet Med, 2018 Jan;20:69-75; Helms AS et al. Circ Genom Precis Med, 2020 Oct;13:396-405). This variant is considered to be rare based on population cohorts in the Genome Aggregation Database (gnomAD). This alteration is expected to result in loss of function by premature protein truncation or nonsense-mediated mRNA decay. As such, this alteration is interpreted as a disease-causing mutation.

Labcorp Genetics (formerly Invitae), Labcorp
Classification: Pathogenic for Hypertrophic cardiomyopathy. Last evaluated: 2025-10-21. Review status: criteria provided, single submitter. Criteria: Invitae Variant Classification Sherloc (09022015). Collection method: clinical testing. Allele origin: germline.
Comment: This sequence change creates a premature translational stop signal (p.Tyr79*) in the MYBPC3 gene. It is expected to result in an absent or disrupted protein product. Loss-of-function variants in MYBPC3 are known to be pathogenic (PMID: 19574547). This variant is not present in population databases (gnomAD no frequency). This premature translational stop signal has been observed in individual(s) with hypertrophic cardiomyopathy (PMID: 17394878, 35653365, 37652022). ClinVar contains an entry for this variant (Variation ID: 181132). For these reasons, this variant has been classified as Pathogenic.

Equipe Genetique des Anomalies du Developpement, Université de Bourgogne
Classification: Pathogenic for Hypertrophic cardiomyopathy 4. Last evaluated: 2024-05-29. Review status: criteria provided, single submitter. Criteria: ACMG Guidelines, 2015. Collection method: clinical testing. Allele origin: maternal. Affected: yes.
Comment: This variant changes 1 nucleotide in exon 2 of the MYBPC3 gene and creates a premature stop codon at position 79. Loss of function is a known mechanism of disease. This variant is not observed in the gnomAD v.4.1.0 database. This variant has been reported at least 4 times as pathogenic in ClinVar (VCV000181132.9). Pathogenic monoallelic variants in the MYBPC3 gene are responsible for two phenotypes: dilated cardiomyopathy associated with left ventricular noncompaction (OMIM #615396) and hypertrophic cardiomyopathy (OMIM #115197) This variant is cited in the following literature: PMID 17394878, 20624503, 20800588, 21896538, 28971120, 32841044. Based on the available evidence, this variant is classified as Pathogenic.

All of Us Research Program, National Institutes of Health
Classification: Pathogenic for Hypertrophic cardiomyopathy. Last evaluated: 2023-11-02. Review status: criteria provided, single submitter. Criteria: ACMG Guidelines, 2015. Collection method: clinical testing. Allele origin: germline. Inheritance: Autosomal dominant inheritance. Observed: 2 variant alleles, 2 heterozygotes.
Comment: This variant changes 1 nucleotide in exon 2 of the MYBPC3 gene, creating a premature translation stop signal. This variant is expected to result in an absent or non-functional protein product. This variant has been reported in more than five unrelated individuals affected with hypertrophic cardiomyopathy (PMID: 17394878, 20624503, 20800588, 21896538, 24111713, 28138913, 28640247, 28971120, 32841044, 17394878, 21896538, 28138913). It has been shown that this variant segregates with disease in multiple affected individuals in one family (PMID: 17394878, 21896538, 28138913). This variant has not been identified in the general population by the Genome Aggregation Database (gnomAD). Different variants causing the same premature translation stop signal (c.237C>A p.Tyr79X and c.236dupA p.Tyr79X), are also known to be disease-causing (ClinVar variation ID: 407333 and 372710). Loss of MYBPC3 function is a known mechanism of disease. Based on the available evidence, this variant is classified as Pathogenic.

This study involves interpretation of variants in research participants for the purpose of population health screening. Participant phenotype was not available at the time of variant classification. Additional details can be found in publication PMID: 35346344, PMCID: PMC8962531

Color Diagnostics, LLC DBA Color Health
Classification: Pathogenic for Cardiomyopathy. Last evaluated: 2023-05-25. Review status: criteria provided, single submitter. Criteria: ACMG Guidelines, 2015. Collection method: clinical testing. Allele origin: germline.
Comment: This variant changes 1 nucleotide in exon 2 of the MYBPC3 gene, creating a premature translation stop signal. This variant is expected to result in an absent or non-functional protein product. This variant has been reported in more than five unrelated individuals affected with hypertrophic cardiomyopathy (PMID: 17394878, 20624503, 20800588, 21896538, 24111713, 28138913, 28640247, 28971120, 32841044, 17394878, 21896538, 28138913). It has been shown that this variant segregates with disease in multiple affected individuals in one family (PMID: 17394878, 21896538, 28138913). This variant has not been identified in the general population by the Genome Aggregation Database (gnomAD). Different variants causing the same premature translation stop signal (c.237C>A p.Tyr79X and c.236dupA p.Tyr79X), are also known to be disease-causing (ClinVar variation ID: 407333 and 372710). Loss of MYBPC3 function is a known mechanism of disease. Based on the available evidence, this variant is classified as Pathogenic.

3billion
Classification: Pathogenic for Hypertrophic cardiomyopathy 4. Last evaluated: 2022-09-01. Review status: criteria provided, single submitter. Criteria: ACMG Guidelines, 2015. Collection method: clinical testing. Allele origin: germline. Affected: yes. Observed: 1 heterozygote.
Comment: The variant is not observed in the gnomAD v2.1.1 dataset. Stop-gained (nonsense) is predicted to result in a loss or disruption of normal protein function through nonsense-mediated decay (NMD) or protein truncation. Multiple pathogenic variants are reported downstream of the variant. The variant has been reported at least twice as pathogenic without evidence for the classification (ClinVar ID: VCV000181132 / PMID: 17394878). Therefore, this variant is classified as Pathogenic according to the recommendation of ACMG/AMP guideline.

Blueprint Genetics
Classification: Pathogenic for MYBPC3-related disorders. Last evaluated: 2021-10-16. Review status: criteria provided, single submitter. Criteria: ACMG Guidelines, 2015. Collection method: clinical testing. Allele origin: germline. Affected: yes. Observed: 1 variant allele.

GeneDx
Classification: Pathogenic. Last evaluated: 2019-10-01. Review status: criteria provided, single submitter. Criteria: GeneDx Variant Classification Process June 2021. Collection method: clinical testing. Allele origin: germline. Affected: yes.
Comment: Not observed in large population cohorts (Lek et al., 2016); Nonsense variant predicted to result in protein truncation or nonsense mediated decay in a gene for which loss-of-function is a known mechanism of disease; This variant is associated with the following publications: (PMID: 25525159, 17394878, 24111713, 21896538, 28971120, 20624503, 28640247)

Laboratory for Molecular Medicine, Mass General Brigham Personalized Medicine
Classification: Pathogenic for Hypertrophic cardiomyopathy. Last evaluated: 2015-07-01. Review status: criteria provided, single submitter. Criteria: LMM Criteria. Collection method: clinical testing. Allele origin: germline. Inheritance: Autosomal dominant inheritance. Observed: 1 variant allele.
Comment: It has also been detected by another clinical testing laborato ry and is noted in the ClinVar database (iation/181132). Data from large population studies is insufficient to assess the frequency of this variant. This nonsense variant leads to a premature terminati on codon at position 79, which is predicted to lead to a truncated or absent pro tein. Heterozygous loss of function of the MYBPC3 gene is an established disease mechanism in individuals with HCM. In summary, this variant meets our criteria to be classified as pathogenic for HCM in an autosomal dominant manner based on the predicted impact of the v ariant.

Clinical Genetics Service, Universitary Hospital 12 de Octubre
Classification: Pathogenic for Hypertrophic cardiomyopathy 4. Review status: criteria provided, single submitter. Criteria: ACMG Guidelines, 2015. Collection method: clinical testing. Allele origin: germline. Affected: yes.

Literature cited by the submitters: PubMed 17394878 (cited by 7 submitters); PubMed 20624503 (cited by 4 submitters); PubMed 24111713 (cited by 3 submitters); PubMed 28640247 (cited by 3 submitters); PubMed 32841044 (cited by 4 submitters); PubMed 19574547 (cited by Labcorp Genetics (formerly Invitae), Labcorp); PubMed 35653365 (cited by Labcorp Genetics (formerly Invitae), Labcorp); PubMed 37652022 (cited by Labcorp Genetics (formerly Invitae), Labcorp); PubMed 20800588 (cited by 3 submitters); PubMed 21896538 (cited by 4 submitters); PubMed 28971120 (cited by 3 submitters); PubMed 28138913 (cited by All of Us Research Program, National Institutes of Health and Color Diagnostics, LLC DBA Color Health).

NM_000256.3(MYBPC3):c.237C>G (p.Tyr79Ter)

Gene: MYBPC3 (myosin binding protein C3; minus strand). Cytogenetic location: 11p11.2.
Variant type: single nucleotide variant.
Coding change: c.237C>G on transcript NM_000256.3 (MANE Select); coding-DNA position 237, C replaced by G.
Protein change: p.Tyr79Ter; replaces tyrosine 79 with a stop codon.
Molecular consequence: nonsense.
Genome position (GRCh38, 1-based): chr11:47,351,294, G>C on the plus strand (C>G on the coding strand, the complement: MYBPC3 is on the minus strand). VCF-style: chr11-47351294-G-C. GRCh37 (hg19) VCF-style: chr11-47372845-G-C.
Other names: p.Y79*:TAC>TAG; short protein forms Y79*.
Identifiers: ClinVar variation 181132 (VCV000181132.16), dbSNP rs730880698, ClinGen allele CA012155.